The following is an entry in ClinVar:

NM_018297.4(NGLY1):c.491C>T (p.Thr164Met)

Gene: NGLY1 (N-glycanase 1; minus strand). Cytogenetic location: 3p24.2.
Variant type: single nucleotide variant.
Coding change: c.491C>T on transcript NM_018297.4 (MANE Select); coding-DNA position 491, C replaced by T.
Protein change: p.Thr164Met; replaces threonine 164 with methionine.
Molecular consequence: missense variant.
Genome position (GRCh38, 1-based): chr3:25,764,067, G>A on the plus strand (C>T on the coding strand, the complement: NGLY1 is on the minus strand). VCF-style: chr3-25764067-G-A. GRCh37 (hg19) VCF-style: chr3-25805558-G-A.
Other names: c.491C>T, p.Thr164Met (NM_001145293.2, NM_001145295.2); c.365C>T, p.Thr122Met (NM_001145294.2); short protein forms T122M, T164M.
Identifiers: ClinVar variation 665756 (VCV000665756.6), dbSNP rs749441809, ClinGen allele CA2289476.

ClinVar aggregate classification (germline): Uncertain significance (1 of 4 stars; one submission).

Conditions:
Congenital disorder of deglycosylation (CDDG). Identifiers: MedGen C3808991, MONDO:0031376.

Allele frequency attached by ClinVar (database versions not stated): gnomAD 0.00002; TOPMed 0.00002.
gnomAD v4.1: 52 of 1,613,854 alleles (0.0032%); highest among the groups gnomAD compares: Middle Eastern, 0.016%; no homozygotes.

Submission:

Labcorp Genetics (formerly Invitae), Labcorp
Classification: Uncertain significance for Congenital disorder of deglycosylation. Last evaluated: 2023-11-27. Review status: criteria provided, single submitter. Criteria: Invitae Variant Classification Sherloc (09022015). Collection method: clinical testing. Allele origin: germline.
Comment: This sequence change replaces threonine, which is neutral and polar, with methionine, which is neutral and non-polar, at codon 164 of the NGLY1 protein (p.Thr164Met). This variant is present in population databases (rs749441809, gnomAD 0.004%). This variant has not been reported in the literature in individuals affected with NGLY1-related conditions. ClinVar contains an entry for this variant (Variation ID: 665756). Algorithms developed to predict the effect of missense changes on protein structure and function output the following: SIFT: "Not Available"; PolyPhen-2: "Benign"; Align-GVGD: "Not Available". The methionine amino acid residue is found in multiple mammalian species, which suggests that this missense change does not adversely affect protein function. In summary, the available evidence is currently insufficient to determine the role of this variant in disease. Therefore, it has been classified as a Variant of Uncertain Significance.